The following is an entry in ClinVar:

ClinVar aggregate classification (germline): Uncertain significance (1 of 4 stars; one submission).

Conditions:
Epidermolysis bullosa simplex 5C, with pyloric atresia (EBS5C). Also called: Epidermolysis bullosa simplex with pyloric atresia; PLEC-Related Epidermolysis Bullosa with Pyloric Atresia; PLEC1-Related Epidermolysis Bullosa with Pyloric Atresia. Identifiers: Orphanet 158684, MedGen C2677349, MONDO:0012807, OMIM 612138.
Epidermolysis bullosa simplex with nail dystrophy (EBS5D). Identifiers: MedGen C4225309, MONDO:0014661, OMIM 616487.
Epidermolysis bullosa simplex 5B, with muscular dystrophy (EBS5B). Also called: Epidermolysis bullosa simplex with muscular dystrophy; EPIDERMOLYSIS BULLOSA SIMPLEX AND LIMB-GIRDLE MUSCULAR DYSTROPHY. Identifiers: Orphanet 257, MedGen C2931072, MONDO:0009181, OMIM 226670.
Autosomal recessive limb-girdle muscular dystrophy type 2Q (LGMDR17). Also called: MUSCULAR DYSTROPHY, LIMB-GIRDLE, AUTOSOMAL RECESSIVE 17. Identifiers: Orphanet 254361, MedGen C3150989, MONDO:0013390, OMIM 613723.
Epidermolysis bullosa simplex, Ogna type (EBS5A). Also called: Pidermolysis bullosa simplex 5A, Ogna type; EPIDERMOLYSIS BULLOSA SIMPLEX 5A, OGNA TYPE. Identifiers: Orphanet 79401, MedGen C0432317, MONDO:0007555, OMIM 131950.

Submission:

Labcorp Genetics (formerly Invitae), Labcorp
Classification: Uncertain significance for Autosomal recessive limb-girdle muscular dystrophy type 2Q; Epidermolysis bullosa simplex, Ogna type; Epidermolysis bullosa simplex with nail dystrophy; Epidermolysis bullosa simplex 5C, with pyloric atresia; Epidermolysis bullosa simplex 5B, with muscular dystrophy. Last evaluated: 2022-08-16. Review status: criteria provided, single submitter. Criteria: Invitae Variant Classification Sherloc (09022015). Collection method: clinical testing. Allele origin: germline.
Comment: In summary, the available evidence is currently insufficient to determine the role of this variant in disease. Therefore, it has been classified as a Variant of Uncertain Significance. Algorithms developed to predict the effect of missense changes on protein structure and function are either unavailable or do not agree on the potential impact of this missense change (SIFT: "Tolerated"; PolyPhen-2: "Not Available"; Align-GVGD: "Class C0"). ClinVar contains an entry for this variant (Variation ID: 1403236). This variant has not been reported in the literature in individuals affected with PLEC-related conditions. This variant is not present in population databases (gnomAD no frequency). This sequence change replaces phenylalanine, which is neutral and non-polar, with tyrosine, which is neutral and polar, at codon 1961 of the PLEC protein (p.Phe1961Tyr).

NM_201384.3(PLEC):c.5801T>A (p.Phe1934Tyr)

Gene: PLEC (plectin; minus strand). Cytogenetic location: 8q24.3.
Variant type: single nucleotide variant.
Coding change: c.5801T>A on transcript NM_201384.3 (MANE Select); coding-DNA position 5801, T replaced by A.
Protein change: p.Phe1934Tyr; replaces phenylalanine 1934 with tyrosine.
Molecular consequence: missense variant.
Genome position (GRCh38, 1-based): chr8:143,924,128, A>T on the plus strand (T>A on the coding strand, the complement: PLEC is on the minus strand). VCF-style: chr8-143924128-A-T. GRCh37 (hg19) VCF-style: chr8-144998296-A-T.
Other names: c.5882T>A, p.Phe1961Tyr (NM_000445.5); c.5759T>A, p.Phe1920Tyr (NM_201378.4); c.5735T>A, p.Phe1912Tyr (NM_201379.3); c.6212T>A, p.Phe2071Tyr (NM_201380.4); c.5705T>A, p.Phe1902Tyr (NM_201381.3); c.5801T>A, p.Phe1934Tyr (NM_201382.4); c.5813T>A, p.Phe1938Tyr (NM_201383.3); short protein forms F1912Y, F1920Y, F1934Y, F1961Y, F2071Y, F1902Y, F1938Y.
Identifiers: ClinVar variation 1403236 (VCV001403236.8), dbSNP rs2131375723, ClinGen allele CA372541647.
Genomic context (GRCh38, chr8:143,924,128, plus strand): 5'-TTGCTGCGGATGCGTCCCAGCTCCAGCTCCAGCTCCGCCTTGCCAGCGGCCGCCTTCTCG[A>T]AGCTCGCCTTCAGCGCCAGGATCTCCTCCTCCACCTGCCGCCGCTGCCTCAGCGTGTCCT-3'
Protein context (NP_958786.1, residues 1924-1944): EEEILALKAS[Phe1934Tyr]EKAAAGKAEL